The following is an entry in ClinVar:

NC_000003.12:g.169764989G>A

Genes: TERC (telomerase RNA component; minus strand), LOC110806306 (telomerase RNA component (TERC) promoter; plus strand). Cytogenetic location: 3q26.2.
Variant type: single nucleotide variant.
Genome position: GRCh38 VCF-style: chr3-169764989-G-A. GRCh37 (hg19) VCF-style: chr3-169482777-G-A.
Identifiers: ClinVar variation 2117745 (VCV002117745.4), dbSNP rs199422265, ClinGen allele CA2696825.

ClinVar aggregate classification (germline): Uncertain significance (1 of 4 stars; one submission).

Conditions:
Dyskeratosis congenita, autosomal dominant 1 (DKCA1). Also called: Dyskeratosis congenita Scoggins type. Identifiers: Orphanet 1775, MedGen C4551974, MONDO:0007485, OMIM 127550. Inheritance: Variable.

Allele frequency attached by ClinVar (database versions not stated): ExAC 0.00001.

Submission:

Labcorp Genetics (formerly Invitae), Labcorp
Classification: Uncertain significance for Dyskeratosis congenita, autosomal dominant 1. Last evaluated: 2022-10-13. Review status: criteria provided, single submitter. Criteria: Invitae Variant Classification Sherloc (09022015). Collection method: clinical testing. Allele origin: germline.
Comment: This variant occurs in the TERC gene, which encodes an RNA molecule that does not result in a protein product. In summary, the available evidence is currently insufficient to determine the role of this variant in disease. Therefore, it has been classified as a Variant of Uncertain Significance. This variant is located in a region of TERC in which a significant number of disease causing variants have been reported (PMID: 15082312, 21844345, 21931702). These observations suggest that this may be a clinically significant region. This variant is located within the template/pseudoknot domain of the TERC RNA component, which is required for RNA or RNP stability (PMID: 15082312, 21844345). This variant has not been reported in the literature in individuals affected with TERC-related conditions. This variant is present in population databases (rs199422265, gnomAD 0.006%).

Literature cited by the submitters: PubMed 15082312; PubMed 21844345; PubMed 21931702.